The following is an entry in ClinVar:

NM_000179.3(MSH6):c.139_260+1878del

Genes: MSH6 (mutS homolog 6; plus strand), LOC129933707 (ATAC-STARR-seq lymphoblastoid silent region 11468; plus strand), LOC129933708 (ATAC-STARR-seq lymphoblastoid silent region 11469; plus strand). Cytogenetic location: 2p16.3.
Variant type: Deletion.
Coding change: c.139_260+1878del on transcript NM_000179.3 (MANE Select); coding-DNA position 139 through 1878 bases into the intron after coding-DNA position 260, 2,000 bases deleted.
Molecular consequence: splice donor variant.
Genome position (GRCh38, 1-based): chr2:47,783,372-47,785,371, 2,000 bases deleted. GRCh37 (hg19): chr2:48,010,511-48,012,510.
Other names: c.-598_-477+1878del (NM_001281493.2); c.139_237+1901del (NM_001281492.2).
Identifiers: ClinVar variation 657633 (VCV000657633.1), ClinGen allele CA915943789.

ClinVar aggregate classification (germline): Likely pathogenic (1 of 4 stars; one submission).

Conditions:
Hereditary nonpolyposis colorectal neoplasms. Identifiers: MedGen C0009405, MeSH D003123.

Submission:

Labcorp Genetics (formerly Invitae), Labcorp
Classification: Likely pathogenic for Hereditary nonpolyposis colon cancer. Last evaluated: 2018-07-27. Review status: criteria provided, single submitter. Criteria: Invitae Variant Classification Sherloc (09022015). Collection method: clinical testing. Allele origin: germline.
Comment: This variant is a gross deletion of the genomic region encompassing part of exon 1 and part of intron 1 (c.136_260+1875del) of the MSH6 gene.Â¬â€ It is expected to disrupt RNA splicing and likely results in an absent or disrupted protein product. This variant has not been reported in the literature in individuals with MSH6-related disease. Loss-of-function variants in MSH6 are known to be pathogenic (PMID: 18269114, 24362816). For these reasons, this variant has been classified as Likely Pathogenic.